The following is an entry in ClinVar:

ClinVar aggregate classification (germline): Uncertain significance (1 of 4 stars; one submission).

Allele frequency attached by ClinVar (database versions not stated): ExAC 0.00001; gnomAD 0.00001; 1000 Genomes Project 30x 0.00016; 1000 Genomes Project 0.00020.

Submission:

Ambry Genetics
Classification: Uncertain significance. Last evaluated: 2025-05-08. Review status: criteria provided, single submitter. Criteria: Ambry Variant Classification Scheme 2023. Collection method: clinical testing. Allele origin: germline.
Comment: The p.M1006V variant (also known as c.3016A>G), located in coding exon 1 of the MLH3 gene, results from an A to G substitution at nucleotide position 3016. The methionine at codon 1006 is replaced by valine, an amino acid with highly similar properties. This amino acid position is poorly conserved in available vertebrate species. In addition, this alteration is predicted to be tolerated by in silico analysis. The evidence for this gene-disease relationship is limited; therefore, the clinical significance of this alteration is unclear.

NM_001040108.2(MLH3):c.3016A>G (p.Met1006Val)

Gene: MLH3 (mutL homolog 3; minus strand). Cytogenetic location: 14q24.3.
Variant type: single nucleotide variant.
Coding change: c.3016A>G on transcript NM_001040108.2 (MANE Select); coding-DNA position 3016, A replaced by G.
Protein change: p.Met1006Val; replaces methionine 1006 with valine.
Molecular consequence: missense variant.
Genome position (GRCh38, 1-based): chr14:75,046,640, T>C on the plus strand (A>G on the coding strand, the complement: MLH3 is on the minus strand). VCF-style: chr14-75046640-T-C. GRCh37 (hg19) VCF-style: chr14-75513343-T-C.
Other names: c.3016A>G, p.Met1006Val (NM_014381.3); short protein forms M1006V.
Identifiers: ClinVar variation 2561678 (VCV002561678.3), dbSNP rs528104411, ClinGen allele CA7275603.